The following is an entry in ClinVar:

ClinVar aggregate classification (germline): Uncertain significance. Review status: criteria provided, single submitter (1 of 4 stars). 2 submissions from 2 submitters: Uncertain significance (1). 1 of the submissions does not count toward it. Last evaluated 2025-08-07.

Conditions:
Hereditary cancer-predisposing syndrome. Also called: Tumor predisposition; Hereditary Cancer Syndrome; Hereditary neoplastic syndrome; Neoplastic Syndromes, Hereditary. Identifiers: Orphanet 140162, MedGen C0027672, MeSH D009386, MONDO:0015356.
GREM1-related disorder. Also called: GREM1-related condition.

Allele frequency attached by ClinVar (database versions not stated): TOPMed 0.00001.
gnomAD v4.1: 5 of 1,613,854 alleles (0.00031%); highest among the groups gnomAD compares: South Asian, 0.0011%; no homozygotes.

Submissions (2):

Ambry Genetics
Classification: Uncertain significance for Hereditary cancer-predisposing syndrome. Last evaluated: 2025-08-07. Review status: criteria provided, single submitter. Criteria: Ambry Variant Classification Scheme 2023. Collection method: clinical testing. Allele origin: germline.
Comment: The p.P35Q variant (also known as c.104C>A), located in coding exon 1 of the GREM1 gene, results from a C to A substitution at nucleotide position 104. The proline at codon 35 is replaced by glutamine, an amino acid with similar properties. This amino acid position is conserved. In addition, this alteration is predicted to be tolerated by in silico analysis. Since supporting evidence is limited at this time, the clinical significance of this alteration remains unclear.

PreventionGenetics, part of Exact Sciences
Classification: Uncertain significance for GREM1-related condition. Last evaluated: 2023-10-25. Review status: no assertion criteria provided. Collection method: clinical testing. Allele origin: germline. Not counted in ClinVar's aggregate classification.
Comment: The GREM1 c.104C>A variant is predicted to result in the amino acid substitution p.Pro35Gln. To our knowledge, this variant has not been reported in the literature or in a large population database, indicating this variant is rare. At this time, the clinical significance of this variant is uncertain due to the absence of conclusive functional and genetic evidence.

NM_013372.7(GREM1):c.104C>A (p.Pro35Gln)

Gene: GREM1 (gremlin 1, DAN family BMP antagonist; plus strand). Cytogenetic location: 15q13.3.
Variant type: single nucleotide variant.
Coding change: c.104C>A on transcript NM_013372.7 (MANE Select); coding-DNA position 104, C replaced by A.
Protein change: p.Pro35Gln; replaces proline 35 with glutamine.
Molecular consequence: missense variant. On other transcripts: intron variant (1).
Genome position (GRCh38, 1-based): chr15:32,730,794, C>A. VCF-style: chr15-32730794-C-A. GRCh37 (hg19) VCF-style: chr15-33022995-C-A.
Other names: c.104C>A, p.Pro35Gln (NM_001191323.2, NM_001368719.1); c.27+77C>A (NM_001191322.2); short protein forms P35Q.
Identifiers: ClinVar variation 2624817 (VCV002624817.6), dbSNP rs779454972, ClinGen allele CA268513163.